The following is an entry in ClinVar:

ClinVar aggregate classification (germline): Conflicting classifications of pathogenicity. Review status: criteria provided, conflicting classifications (1 of 4 stars). 14 submissions from 14 submitters: Uncertain significance (2); Benign (3); Likely benign (5). 4 of the submissions do not count toward it. Last evaluated 2026-01-26.

Conditions:
Cardiovascular phenotype. Identifiers: MedGen CN230736.
CACNA1C-related disorder. Also called: CACNA1C-related condition; CACNA1C-related disorders. Identifiers: MedGen CN381092, MONDO:0700321.
Brugada syndrome. Also called: Sudden unexplained nocturnal death syndrome; Sudden Unexplained Death Syndrome; Sudden Unexplained Nocturnal Death Syndrome (SUNDS); Sudden unexpected nocturnal death syndrome. Identifiers: Orphanet 130, MedGen C1142166, MONDO:0015263.
Long QT syndrome (LQTS). Identifiers: MedGen C0023976, MeSH D008133, MONDO:0002442. Disease mechanism: loss of function. Inheritance: Various modes of inheritance.
Hypertrophic cardiomyopathy. Also called: HYPERTROPHIC MYOCARDIOPATHY. Identifiers: Orphanet 217569, MedGen C0007194, MeSH D002312, MONDO:0005045, HP:0001639.

Allele frequency attached by ClinVar (database versions not stated): gnomAD exomes 0.00012; ExAC 0.00028.

Submissions (14):

Labcorp Genetics (formerly Invitae), Labcorp
Classification: Uncertain significance for Long QT syndrome. Last evaluated: 2026-01-26. Review status: criteria provided, single submitter. Criteria: Invitae Variant Classification Sherloc (09022015). Collection method: clinical testing. Allele origin: germline.
Comment: This sequence change replaces glutamic acid, which is acidic and polar, with lysine, which is basic and polar, at codon 1865 of the CACNA1C protein (p.Glu1865Lys). The frequency data for this variant in the population databases is considered unreliable, as metrics indicate poor data quality at this position in the gnomAD database. This missense change has been observed in individual(s) with clinical features of CACNA1C-related conditions (PMID: 32145446). This variant is also known as c.5617G>A (p.E1873K). ClinVar contains an entry for this variant (Variation ID: 191566). Invitae Evidence Modeling of protein sequence and biophysical properties (such as structural, functional, and spatial information, amino acid conservation, physicochemical variation, residue mobility, and thermodynamic stability) indicates that this missense variant is not expected to disrupt CACNA1C protein function with a negative predictive value of 95%. In summary, the available evidence is currently insufficient to determine the role of this variant in disease. Therefore, it has been classified as a Variant of Uncertain Significance.

Blueprint Genetics
Classification: Likely benign. Last evaluated: 2024-11-25. Review status: criteria provided, single submitter. Criteria: ACMG Guidelines, 2015. Collection method: clinical testing. Allele origin: germline.

GeneDx
Classification: Likely benign. Last evaluated: 2024-09-10. Review status: criteria provided, single submitter. Criteria: GeneDx Variant Classification Process June 2021. Collection method: clinical testing. Allele origin: germline. Affected: yes.
Comment: See Variant Classification Assertion Criteria.

ARUP Laboratories, Molecular Genetics and Genomics, ARUP Laboratories
Classification: Benign. Last evaluated: 2023-11-22. Review status: criteria provided, single submitter. Criteria: ARUP Molecular Germline Variant Investigation Process 2024. Collection method: clinical testing. Allele origin: germline.

CeGaT Center for Human Genetics Tuebingen
Classification: Likely benign. Last evaluated: 2023-09-01. Review status: criteria provided, single submitter. Criteria: CeGaT Center For Human Genetics Tuebingen Variant Classification Criteria Version 2. Collection method: clinical testing. Allele origin: germline. Affected: yes. Observed: 1 variant allele.
Comment: CACNA1C: BP4

Center for Advanced Laboratory Medicine, UC San Diego Health, University of California San Diego
Classification: Likely benign for Hypertrophic cardiomyopathy. Last evaluated: 2018-12-24. Review status: criteria provided, single submitter. Criteria: ACMG Guidelines, 2015. Collection method: clinical testing. Allele origin: germline. Affected: yes. Observed: 1 variant allele.

Ambry Genetics
Classification: Likely benign for Cardiovascular phenotype. Last evaluated: 2018-11-28. Review status: criteria provided, single submitter. Criteria: Ambry Variant Classification Scheme 2023. Collection method: clinical testing. Allele origin: germline.

CSER _CC_NCGL, University of Washington
Classification: Uncertain significance for Brugada syndrome. Last evaluated: 2015-03-11. Review status: criteria provided, single submitter. Criteria: Amendola et al. (Genome Res. 2015). Collection method: research. Allele origin: germline. Inheritance: Autosomal dominant inheritance. Study: CSER - NEXT Medicine variant annotation.

Mayo Clinic Laboratories, Mayo Clinic
Classification: Benign. Last evaluated: 2014-12-10. Review status: criteria provided, single submitter. Criteria: ACMG Guidelines, 2015. Collection method: clinical testing. Allele origin: germline. Observed: 3 variant alleles.

Biesecker Lab/Clinical Genomics Section, National Institutes of Health
Classification: Benign. Last evaluated: 2013-06-24. Review status: criteria provided, single submitter. Criteria: Ng et al. (Circ Cardiovasc Genet. 2013). Collection method: research. Allele origin: unknown. Observed: 17 variant alleles. Study: ClinSeq.
Comment: The study set was not selected for affection status in relation to any cancer. Pathogenicity categories were based on literature curation. See Pubmed ID:23861362 for details.

Medical sequencing

PreventionGenetics, part of Exact Sciences
Classification: Uncertain significance for CACNA1C-related condition. Last evaluated: 2024-09-27. Review status: no assertion criteria provided. Collection method: clinical testing. Allele origin: germline. Not counted in ClinVar's aggregate classification.
Comment: The CACNA1C c.5593G>A variant is predicted to result in the amino acid substitution p.Glu1865Lys. To our knowledge, this variant has not been reported in the literature. This variant is reported in 0.10% of alleles in individuals of European (Finnish) descent in gnomAD. At this time, the clinical significance of this variant is uncertain due to the absence of conclusive functional and genetic evidence.

Clinical Genetics DNA and cytogenetics Diagnostics Lab, Erasmus MC, Erasmus Medical Center
Classification: Benign. Review status: no assertion criteria provided. Collection method: clinical testing. Allele origin: germline. Affected: yes. Study: VKGL Data-share Consensus. Not counted in ClinVar's aggregate classification.

Clinical Genetics, Academic Medical Center
Classification: Benign. Review status: no assertion criteria provided. Collection method: clinical testing. Allele origin: germline. Affected: yes. Study: VKGL Data-share Consensus. Not counted in ClinVar's aggregate classification.

Joint Genome Diagnostic Labs from Nijmegen and Maastricht, Radboudumc and MUMC+
Classification: Benign. Review status: no assertion criteria provided. Collection method: clinical testing. Allele origin: germline. Affected: yes. Study: VKGL Data-share Consensus. Not counted in ClinVar's aggregate classification.

Literature cited by the submitters: PubMed 32145446 (cited by Labcorp Genetics (formerly Invitae), Labcorp).

NM_000719.7(CACNA1C):c.5593G>A (p.Glu1865Lys)

Genes: CACNA1C (calcium voltage-gated channel subunit alpha1 C; plus strand), CACNA1C-AS1 (CACNA1C antisense RNA 1; minus strand). Cytogenetic location: 12p13.33.
Variant type: single nucleotide variant.
Coding change: c.5593G>A on transcript NM_000719.7 (MANE Select); coding-DNA position 5593, G replaced by A.
Protein change: p.Glu1865Lys; replaces glutamic acid 1865 with lysine.
Molecular consequence: missense variant.
Genome position (GRCh38, 1-based): chr12:2,685,755, G>A. VCF-style: chr12-2685755-G-A. GRCh37 (hg19) VCF-style: chr12-2794921-G-A.
Other names: c.5737G>A, p.Glu1913Lys (NM_001129827.2); c.5716G>A, p.Glu1906Lys (NM_001129829.2); c.5698G>A, p.Glu1900Lys (NM_001129830.3, NM_001167624.3); c.5677G>A, p.Glu1893Lys (NM_001129831.2); c.5653G>A, p.Glu1885Lys (NM_001129832.2); c.5650G>A, p.Glu1884Lys (NM_001129833.2, NM_001129834.2, NM_001129835.2); c.5560G>A, p.Glu1854Lys (NM_001129846.2); c.5593G>A, p.Glu1865Lys (NM_001167623.2, NM_001129840.2, NM_001129841.2 and 2 more transcripts); and 6 more; short protein forms E1865K, E1900K, E1913K, E1854K, E1862K, E1871K, E1873K, E1882K.
Identifiers: ClinVar variation 191566 (VCV000191566.65), dbSNP rs200231105, ClinGen allele CA199924.
Genomic context (GRCh38, chr12:2,685,755, plus strand): 5'-CTCAGCCTCCAGGAACAAGCCCCATGAGCTCTCTGTTCCAGGCTCTCCTACCAGGATGAC[G>A]AAAATCGGCAACTGACGCTCCCAGAGGAGGACAAGAGGGACATCCGGCAATCTCCGAAGA-3'
Protein context (NP_000710.5, residues 1855-1875): STEMLSYQDD[Glu1865Lys]NRQLTLPEED